The following is an entry in ClinVar:

ClinVar aggregate classification (germline): Uncertain significance (1 of 4 stars; one submission).

Submission:

GeneDx
Classification: Uncertain significance. Last evaluated: 2024-12-16. Review status: criteria provided, single submitter. Criteria: GeneDx Variant Classification Process June 2021. Collection method: clinical testing. Allele origin: germline. Affected: yes.
Comment: Not observed at significant frequency in large population cohorts (gnomAD); Frameshift variant predicted to result in protein truncation or nonsense mediated decay in a gene or region of a gene for which loss of function is not a well-established mechanism of disease; Has not been previously published as pathogenic or benign to our knowledge

NM_006180.6(NTRK2):c.1503del (p.Asn502fs)

Gene: NTRK2 (neurotrophic receptor tyrosine kinase 2; plus strand). Cytogenetic location: 9q21.33.
Variant type: Deletion.
Coding change: c.1503del on transcript NM_006180.6 (MANE Select); coding-DNA position 1503, one base deleted (C; older notation c.1503delC).
Protein change: p.Asn502fs; shifts the reading frame from asparagine 502.
Molecular consequence: frameshift variant.
Genome position (GRCh38, 1-based): chr9:84,867,301, C deleted; the last of 2 consecutive C bases (chr9:84,867,300-84,867,301); deleting either gives the same sequence. VCF-style (leftmost placement, unchanged base first): chr9-84867299-TC-T. GRCh37 (hg19) VCF-style: chr9-87482214-TC-T.
Other names: c.1455del, p.Asn486fs (NM_001018064.3, NM_001018066.3, NM_001369532.1 and 2 more transcripts); c.1503del, p.Asn502fs (NM_001018065.2, NM_001369537.1); c.1419del, p.Asn474fs (NM_001369534.1); c.987del, p.Asn330fs (NM_001369535.1); c.1035del, p.Asn346fs (NM_001369536.1); short protein forms N330fs, N346fs, N474fs, N486fs, N502fs.
Identifiers: ClinVar variation 3903022 (VCV003903022.1).